The following is an entry in ClinVar:

NM_017763.6(RNF43):c.1961G>A (p.Arg654Lys)

Gene: RNF43 (ring finger protein 43; minus strand). Cytogenetic location: 17q22.
Variant type: single nucleotide variant.
Coding change: c.1961G>A on transcript NM_017763.6 (MANE Select); coding-DNA position 1961, G replaced by A.
Protein change: p.Arg654Lys; replaces arginine 654 with lysine.
Molecular consequence: missense variant.
Genome position (GRCh38, 1-based): chr17:58,357,815, C>T on the plus strand (G>A on the coding strand, the complement: RNF43 is on the minus strand). VCF-style: chr17-58357815-C-T. GRCh37 (hg19) VCF-style: chr17-56435176-C-T.
Other names: c.1961G>A, p.Arg654Lys (NM_001305544.3); c.1580G>A, p.Arg527Lys (NM_001305545.2); short protein forms R527K, R654K.
Identifiers: ClinVar variation 3780556 (VCV003780556.1).

ClinVar aggregate classification (germline): Uncertain significance. Review status: criteria provided, multiple submitters, no conflicts (2 of 4 stars). 2 submissions from 2 submitters: Uncertain significance (2). Last evaluated 2025-01-25.

Conditions:
Hyperplastic polyposis syndrome. Identifiers: Orphanet 157798, MedGen C4296896, MONDO:0015524.

gnomAD v4.1: 3 of 1,614,186 alleles (0.00019%); highest among the groups gnomAD compares: Non-Finnish European, 0.00025%; no homozygotes.

Submissions (2):

Ambry Genetics
Classification: Uncertain significance. Last evaluated: 2025-01-25. Review status: criteria provided, single submitter. Criteria: Ambry Variant Classification Scheme 2023. Collection method: clinical testing. Allele origin: germline.
Comment: The p.R654K variant (also known as c.1961G>A), located in coding exon 8 of the RNF43 gene, results from a G to A substitution at nucleotide position 1961. The arginine at codon 654 is replaced by lysine, an amino acid with highly similar properties. This amino acid position is conserved. In addition, this alteration is predicted to be tolerated by in silico analysis. Based on the available evidence, the clinical significance of this variant remains unclear.

Department of Pathology and Laboratory Medicine, Sinai Health System
Classification: Uncertain significance for Hyperplastic polyposis syndrome. Last evaluated: 2021-12-01. Review status: criteria provided, single submitter. Criteria: ACMG Guidelines, 2015. Collection method: clinical testing. Allele origin: germline. Affected: yes.